The following is an entry in ClinVar:

ClinVar aggregate classification (germline): Uncertain significance (1 of 4 stars; one submission).

Submission:

Labcorp Genetics (formerly Invitae), Labcorp
Classification: Uncertain significance. Last evaluated: 2021-07-03. Review status: criteria provided, single submitter. Criteria: Invitae Variant Classification Sherloc (09022015). Collection method: clinical testing. Allele origin: germline.
Comment: This sequence change replaces phenylalanine with leucine at codon 75 of the TOPORS protein (p.Phe75Leu). The phenylalanine residue is moderately conserved and there is a small physicochemical difference between phenylalanine and leucine. This variant is not present in population databases (ExAC no frequency). This variant has not been reported in the literature in individuals affected with TOPORS-related conditions. Algorithms developed to predict the effect of missense changes on protein structure and function (SIFT, PolyPhen-2, Align-GVGD) all suggest that this variant is likely to be tolerated. In summary, the available evidence is currently insufficient to determine the role of this variant in disease. Therefore, it has been classified as a Variant of Uncertain Significance.

NM_005802.5(TOPORS):c.225T>G (p.Phe75Leu)

Gene: TOPORS (TOP1 binding arginine/serine rich protein, E3 ubiquitin ligase; minus strand). Cytogenetic location: 9p21.1.
Variant type: single nucleotide variant.
Coding change: c.225T>G on transcript NM_005802.5 (MANE Select); coding-DNA position 225, T replaced by G.
Protein change: p.Phe75Leu; replaces phenylalanine 75 with leucine.
Molecular consequence: missense variant.
Genome position (GRCh38, 1-based): chr9:32,544,300, A>C on the plus strand (T>G on the coding strand, the complement: TOPORS is on the minus strand). VCF-style: chr9-32544300-A-C. GRCh37 (hg19) VCF-style: chr9-32544298-A-C.
Other names: c.30T>G, p.Phe10Leu (NM_001195622.2); short protein forms F10L, F75L.
Identifiers: ClinVar variation 1517443 (VCV001517443.8), dbSNP rs2118969917, ClinGen allele CA373173133.